The following is an entry in ClinVar:

NM_014714.4(IFT140):c.1861C>T (p.Arg621Trp)

Gene: IFT140 (intraflagellar transport 140; minus strand). Cytogenetic location: 16p13.3.
Variant type: single nucleotide variant.
Coding change: c.1861C>T on transcript NM_014714.4 (MANE Select); coding-DNA position 1861, C replaced by T.
Protein change: p.Arg621Trp; replaces arginine 621 with tryptophan.
Molecular consequence: missense variant.
Genome position (GRCh38, 1-based): chr16:1,566,201, G>A on the plus strand (C>T on the coding strand, the complement: IFT140 is on the minus strand). VCF-style: chr16-1566201-G-A. GRCh37 (hg19) VCF-style: chr16-1616202-G-A.
Other names: short protein forms R621W.
Identifiers: ClinVar variation 852527 (VCV000852527.11), dbSNP rs146480546, ClinGen allele CA7814115.
Genomic context (GRCh38, chr16:1,566,201, plus strand): 5'-CTCCTGAACCACAATCTTACTTATTAGTCTCTTGCTCATTAAAGGACAGCGTCTCTCTCC[G>A]ATCAATTTGTCCAGTCTTGAAGTCAAAGACGGTCACTGTGTCCATTTCAACATCGTAGAA-3'
Protein context (NP_055529.2, residues 611-631): VFDFKTGQID[Arg621Trp]RETLSFNEQE

ClinVar aggregate classification (germline): Conflicting classifications of pathogenicity. Review status: criteria provided, conflicting classifications (1 of 4 stars). 5 submissions from 5 submitters: Uncertain significance (4); Likely benign (1). Last evaluated 2025-12-19.

Conditions:
Retinitis pigmentosa 80 (RP80). Identifiers: MedGen C4540439, MONDO:0054708, OMIM 617781.
Saldino-Mainzer syndrome (SRTD9). Also called: CONORENAL SYNDROME; SHORT-RIB THORACIC DYSPLASIA 9 WITHOUT POLYDACTYLY; Renal dysplasia, retinal pigmentary dystrophy, cerebellar ataxia and skeletal dysplasia; short-rib thoracic dysplasia 9 with or without polydactyly. Identifiers: Orphanet 140969, MedGen C1849437, MONDO:0009964, OMIM 266920.
Inborn genetic diseases. Identifiers: MedGen C0950123, MeSH D030342.

Allele frequency attached by ClinVar (database versions not stated): ExAC 0.00006; ESP Exome Variant Server 0.00008; gnomAD exomes 0.00008; TOPMed 0.00010; gnomAD 0.00011; 1000 Genomes Project 30x 0.00016; 1000 Genomes Project 0.00020.
gnomAD v4.1: 281 of 1,613,648 alleles (0.017%); highest among the groups gnomAD compares: Admixed American, 0.035%; 1 homozygote.

Submissions (5):

Labcorp Genetics (formerly Invitae), Labcorp
Classification: Likely benign for Saldino-Mainzer syndrome. Last evaluated: 2025-12-19. Review status: criteria provided, single submitter. Criteria: Invitae Variant Classification Sherloc (09022015). Collection method: clinical testing. Allele origin: germline.

GeneDx
Classification: Uncertain significance. Last evaluated: 2024-08-15. Review status: criteria provided, single submitter. Criteria: GeneDx Variant Classification Process June 2021. Collection method: clinical testing. Allele origin: germline. Affected: yes.
Comment: In silico analysis indicates that this missense variant does not alter protein structure/function; Has not been previously published as pathogenic or benign to our knowledge

Blueprint Genetics
Classification: Uncertain significance. Last evaluated: 2024-05-06. Review status: criteria provided, single submitter. Criteria: ACMG Guidelines, 2015. Collection method: clinical testing. Allele origin: germline.

Ambry Genetics
Classification: Uncertain significance for Inborn genetic diseases. Last evaluated: 2022-07-07. Review status: criteria provided, single submitter. Criteria: Ambry Variant Classification Scheme 2023. Collection method: clinical testing. Allele origin: germline.

Fulgent Genetics
Classification: Uncertain significance for Saldino-Mainzer syndrome; Retinitis pigmentosa 80. Last evaluated: 2021-12-23. Review status: criteria provided, single submitter. Criteria: ACMG Guidelines, 2015. Collection method: clinical testing. Allele origin: unknown.